The following is an entry in ClinVar:

NC_000005.9:g.(?_86633771)_(86659341_?)del

Gene: RASA1 (RAS p21 protein activator 1; plus strand). Cytogenetic location: 5q14.3.
Variant type: Deletion.
Identifiers: ClinVar variation 1477458 (VCV001477458.6).

ClinVar aggregate classification (germline): Pathogenic (1 of 4 stars; one submission).

Conditions:
Capillary malformation-arteriovenous malformation syndrome. Also called: Capillary malformation-arteriovenous malformation. Identifiers: Orphanet 137667, MedGen C1842180, MONDO:0012016.

Submission:

Labcorp Genetics (formerly Invitae), Labcorp
Classification: Pathogenic for Capillary malformation-arteriovenous malformation syndrome. Last evaluated: 2022-02-01. Review status: criteria provided, single submitter. Criteria: Invitae Variant Classification Sherloc (09022015). Collection method: clinical testing. Allele origin: germline.
Comment: For these reasons, this variant has been classified as Pathogenic. Experimental studies and prediction algorithms are not available or were not evaluated, and the functional significance of this variant is currently unknown. A similar copy number variant has been observed in individual(s) with clinical features of RASA1-related conditions (Invitae). In at least one individual the variant was observed to be de novo. This variant is a gross deletion of the genomic region encompassing exon(s) 5-11 of the RASA1 gene. This variant would be expected to be in-frame, preserving the integrity of the reading frame.